The following is an entry in ClinVar:

NM_013352.4(DSE):c.2495A>G (p.Asn832Ser)

Gene: DSE (dermatan sulfate epimerase; plus strand). Cytogenetic location: 6q22.1.
Variant type: single nucleotide variant.
Coding change: c.2495A>G on transcript NM_013352.4 (MANE Select); coding-DNA position 2495, A replaced by G.
Protein change: p.Asn832Ser; replaces asparagine 832 with serine.
Molecular consequence: missense variant. On other transcripts: 3 prime UTR variant (2), non-coding transcript variant (1).
Genome position (GRCh38, 1-based): chr6:116,436,963, A>G. VCF-style: chr6-116436963-A-G. GRCh37 (hg19) VCF-style: chr6-116758126-A-G.
Other names: c.2495A>G, p.Asn832Ser (NM_001080976.3, NM_001322937.2, NM_001322938.2); c.2552A>G, p.Asn851Ser (NM_001322939.2); c.1934A>G, p.Asn645Ser (NM_001322940.2, NM_001322941.2); c.*1360A>G (NM_001322943.2, NM_001322944.2); c.1496A>G, p.Asn499Ser (NM_001374520.1); c.1460A>G, p.Asn487Ser (NM_001374521.1); short protein forms N645S, N487S, N832S, N499S, N851S.
Identifiers: ClinVar variation 2217379 (VCV002217379.3), dbSNP rs774802002, ClinGen allele CA3969827.

ClinVar aggregate classification (germline): Uncertain significance. Review status: criteria provided, multiple submitters, no conflicts (2 of 4 stars). 2 submissions from 2 submitters: Uncertain significance (2). Last evaluated 2025-07-21.

Conditions:
Inborn genetic diseases. Identifiers: MedGen C0950123, MeSH D030342.

Allele frequency attached by ClinVar (database versions not stated): ExAC 0.00002; gnomAD 0.00002; gnomAD exomes 0.00002; TOPMed 0.00002.
gnomAD v4.1: 38 of 1,613,950 alleles (0.0024%); highest among the groups gnomAD compares: Non-Finnish European, 0.0028%; no homozygotes.

Submissions (2):

Women's Health and Genetics/Laboratory Corporation of America, LabCorp
Classification: Uncertain significance. Last evaluated: 2025-07-21. Review status: criteria provided, single submitter. Criteria: LabCorp Variant Classification Summary - May 2015. Collection method: clinical testing. Allele origin: germline.
Comment: Variant summary: DSE c.2495A>G (p.Asn832Ser) results in a conservative amino acid change in the encoded protein sequence. Algorithms developed to predict the effect of missense changes on protein structure and function are either unavailable or do not agree on the potential impact of this missense change. The variant allele was found at a frequency of 2e-05 in 250724 control chromosomes. The available data on variant occurrences in the general population are insufficient to allow any conclusion about variant significance. To our knowledge, no occurrence of c.2495A>G in individuals affected with Ehlers-Danlos syndrome, musculocontractural type 2 and no experimental evidence demonstrating its impact on protein function have been reported. ClinVar contains an entry for this variant (Variation ID: 2217379). Based on the evidence outlined above, the variant was classified as uncertain significance.

Ambry Genetics
Classification: Uncertain significance for Inborn genetic diseases. Last evaluated: 2021-10-29. Review status: criteria provided, single submitter. Criteria: Ambry Variant Classification Scheme 2023. Collection method: clinical testing. Allele origin: germline.